The following is an entry in ClinVar:

ClinVar aggregate classification (germline): Conflicting classifications of pathogenicity. Review status: criteria provided, conflicting classifications (1 of 4 stars). 2 submissions from 2 submitters: Uncertain significance (1); Likely benign (1). Last evaluated 2026-04-10.

Conditions:
ATP7B-related disorder. Also called: ATP7B-related condition.

Allele frequency attached by ClinVar (database versions not stated): gnomAD 0.00009; TOPMed 0.00011.
gnomAD v4.1: 125 of 1,373,442 alleles (0.0091%); highest among the groups gnomAD compares: Non-Finnish European, 0.012%; 1 homozygote.

Submissions (2):

PreventionGenetics, part of Exact Sciences
Classification: Likely benign for ATP7B-related condition. Last evaluated: 2026-04-10. Review status: criteria provided, single submitter. Criteria: ACMG Guidelines, 2015. Collection method: clinical testing. Allele origin: germline.
Comment: This variant is classified as likely benign based on ACMG/AMP sequence variant interpretation guidelines (Richards et al. 2015 PMID: 25741868, with internal and published modifications).

ARUP Laboratories, Molecular Genetics and Genomics, ARUP Laboratories
Classification: Uncertain significance. Last evaluated: 2017-06-30. Review status: criteria provided, single submitter. Criteria: ARUP Molecular Germline Variant Investigation Process. Collection method: clinical testing. Allele origin: germline.

NM_000053.3(ATP7B):c.-116G>A

Gene: ATP7B (ATPase copper transporting beta; minus strand). Cytogenetic location: 13q14.3.
Variant type: single nucleotide variant.
Coding change: c.-116G>A on transcript NM_000053.3; 116 bases upstream of the start codon, G replaced by A.
Molecular consequence: 5 prime UTR variant (on NM_001406528.1). On other transcripts: intron variant (11).
Genome position (GRCh38, 1-based): chr13:52,011,453, C>T on the plus strand (G>A on the coding strand, the complement: ATP7B is on the minus strand). VCF-style: chr13-52011453-C-T. GRCh37 (hg19) VCF-style: chr13-52585589-C-T.
Other names: c.-116G>A (NM_001406528.1, NM_001406532.1); c.-54-62G>A (NM_001406541.1, NM_001406531.1, NM_001406527.1 and 7 more transcripts); c.-183-62G>A (NM_001406543.1).
Identifiers: ClinVar variation 617987 (VCV000617987.10), dbSNP rs965523214, ClinGen allele CA250092090.